The following is an entry in ClinVar:

ClinVar aggregate classification (germline): Uncertain significance. Review status: criteria provided, multiple submitters, no conflicts (2 of 4 stars). 5 submissions from 5 submitters: Uncertain significance (5). Last evaluated 2025-12-28.

Conditions:
Malignant hyperthermia, susceptibility to, 1 (MHS1). Also called: Anesthesia related hyperthermia; Malignant hyperpyrexia; Fulminating hyperpyrexia; Pharmacogenic myopathy; Malignant hyperthermia suceptibility 1; RYR1-Related Malignant Hyperthermia Susceptibility. Identifiers: Orphanet 423, MedGen C2930980, MONDO:0007783, OMIM 145600.
RYR1-related disorder. Also called: RYR1-related disorders; RYR1-related condition. Identifiers: MedGen CN239331.

Allele frequency attached by ClinVar (database versions not stated): ESP Exome Variant Server 0.00015.
gnomAD v4.1: 43 of 1,613,864 alleles (0.0027%); highest among the groups gnomAD compares: South Asian, 0.0033%; 1 homozygote.

Submissions (5):

Labcorp Genetics (formerly Invitae), Labcorp
Classification: Uncertain significance for RYR1-related disorder. Last evaluated: 2025-12-28. Review status: criteria provided, single submitter. Criteria: Invitae Variant Classification Sherloc (09022015). Collection method: clinical testing. Allele origin: germline.
Comment: This sequence change replaces valine, which is neutral and non-polar, with methionine, which is neutral and non-polar, at codon 3511 of the RYR1 protein (p.Val3511Met). This variant is present in population databases (rs376389988, gnomAD 0.006%), including at least one homozygous and/or hemizygous individual. This variant has not been reported in the literature in individuals affected with RYR1-related conditions. ClinVar contains an entry for this variant (Variation ID: 1427713). Invitae Evidence Modeling of protein sequence and biophysical properties (such as structural, functional, and spatial information, amino acid conservation, physicochemical variation, residue mobility, and thermodynamic stability) indicates that this missense variant is not expected to disrupt RYR1 protein function with a negative predictive value of 80%. In summary, the available evidence is currently insufficient to determine the role of this variant in disease. Therefore, it has been classified as a Variant of Uncertain Significance.

Women's Health and Genetics/Laboratory Corporation of America, LabCorp
Classification: Uncertain significance. Last evaluated: 2025-06-19. Review status: criteria provided, single submitter. Criteria: LabCorp Variant Classification Summary - May 2015. Collection method: clinical testing. Allele origin: germline.
Comment: Variant summary: RYR1 c.10531G>A (p.Val3511Met) results in a conservative amino acid change in the encoded protein sequence. Algorithms developed to predict the effect of missense changes on protein structure and function are either unavailable or do not agree on the potential impact of this missense change. The variant allele was found at a frequency of 2.7e-05 in 1606868 control chromosomes in the gnomAD database, including 1 homozygote. This frequency is not significantly higher than estimated for a pathogenic variant in RYR1 causing Congenital multicore myopathy with external ophthalmoplegia (2.7e-05 vs 0.0011), allowing no conclusion about variant significance. To our knowledge, no occurrence of c.10531G>A in individuals affected with Congenital multicore myopathy with external ophthalmoplegia and no experimental evidence demonstrating its impact on protein function have been reported. ClinVar contains an entry for this variant (Variation ID: 1427713). Based on the evidence outlined above, the variant was classified as uncertain significance.

Color Diagnostics, LLC DBA Color Health
Classification: Uncertain significance for Malignant hyperthermia, susceptibility to, 1. Last evaluated: 2025-06-09. Review status: criteria provided, single submitter. Criteria: ACMG Guidelines, 2015. Collection method: clinical testing. Allele origin: germline.
Comment: This missense variant replaces valine with methionine at codon 3511 of the RYR1 protein. Computational prediction suggests that this variant may have deleterious impact on protein structure and function. To our knowledge, functional studies have not been reported for this variant. This variant has not been reported in individuals affected with RYR1-related disorders in the literature. This variant has been identified in 8/251374 chromosomes in the general population by the Genome Aggregation Database (gnomAD). The available evidence is insufficient to determine the role of this variant in disease conclusively. Therefore, this variant is classified as a Variant of Uncertain Significance.

All of Us Research Program, National Institutes of Health
Classification: Uncertain significance for Malignant hyperthermia, susceptibility to, 1. Last evaluated: 2023-10-30. Review status: criteria provided, single submitter. Criteria: ACMG Guidelines, 2015. Collection method: clinical testing. Allele origin: germline. Inheritance: Autosomal dominant inheritance. Observed: 4 variant alleles, 4 heterozygotes.
Comment: This missense variant replaces valine with methionine at codon 3511 of the RYR1 protein. Computational prediction suggests that this variant may have deleterious impact on protein structure and function (internally defined REVEL score threshold >= 0.7, PMID: 27666373). To our knowledge, functional studies have not been reported for this variant. This variant has not been reported in individuals affected with RYR1-related disorders in the literature. This variant has been identified in 8/251374 chromosomes in the general population by the Genome Aggregation Database (gnomAD). The available evidence is insufficient to determine the role of this variant in disease conclusively. Therefore, this variant is classified as a Variant of Uncertain Significance.

This study involves interpretation of variants in research participants for the purpose of population health screening. Participant phenotype was not available at the time of variant classification. Additional details can be found in publication PMID: 35346344, PMCID: PMC8962531

Revvity Omics, Revvity
Classification: Uncertain significance. Last evaluated: 2021-10-16. Review status: criteria provided, single submitter. Criteria: ACMG Guidelines, 2015. Collection method: clinical testing. Allele origin: germline.

NM_000540.3(RYR1):c.10531G>A (p.Val3511Met)

Gene: RYR1 (ryanodine receptor 1; plus strand). Cytogenetic location: 19q13.2.
Variant type: single nucleotide variant.
Coding change: c.10531G>A on transcript NM_000540.3 (MANE Select); coding-DNA position 10531, G replaced by A.
Protein change: p.Val3511Met; replaces valine 3511 with methionine.
Molecular consequence: missense variant.
Genome position (GRCh38, 1-based): chr19:38,525,407, G>A. VCF-style: chr19-38525407-G-A. GRCh37 (hg19) VCF-style: chr19-39016047-G-A.
Other names: c.10516G>A, p.Val3506Met (NM_001042723.2); short protein forms V3511M, V3506M.
Identifiers: ClinVar variation 1427713 (VCV001427713.10), dbSNP rs376389988, ClinGen allele CA053962.